The following is an entry in ClinVar:

ClinVar aggregate classification (germline): Uncertain significance (1 of 4 stars; one submission).

Conditions:
Long QT syndrome (LQTS). Identifiers: MedGen C0023976, MeSH D008133, MONDO:0002442. Disease mechanism: loss of function. Inheritance: Various modes of inheritance.

Submission:

Labcorp Genetics (formerly Invitae), Labcorp
Classification: Uncertain significance for Long QT syndrome. Last evaluated: 2021-12-23. Review status: criteria provided, single submitter. Criteria: Invitae Variant Classification Sherloc (09022015). Collection method: clinical testing. Allele origin: germline.
Comment: Algorithms developed to predict the effect of missense changes on protein structure and function are either unavailable or do not agree on the potential impact of this missense change (SIFT: "Deleterious"; PolyPhen-2: "Probably Damaging"; Align-GVGD: "Class C0"). This variant has not been reported in the literature in individuals affected with KCNQ1-related conditions. This variant is not present in population databases (gnomAD no frequency). This sequence change replaces glutamic acid, which is acidic and polar, with lysine, which is basic and polar, at codon 558 of the KCNQ1 protein (p.Glu558Lys). In summary, the available evidence is currently insufficient to determine the role of this variant in disease. Therefore, it has been classified as a Variant of Uncertain Significance.

NM_000218.3(KCNQ1):c.1672G>A (p.Glu558Lys)

Gene: KCNQ1 (potassium voltage-gated channel subfamily Q member 1; plus strand). Cytogenetic location: 11p15.5.
Variant type: single nucleotide variant.
Coding change: c.1672G>A on transcript NM_000218.3 (MANE Select); coding-DNA position 1672, G replaced by A.
Protein change: p.Glu558Lys; replaces glutamic acid 558 with lysine.
Molecular consequence: missense variant.
Genome position (GRCh38, 1-based): chr11:2,776,041, G>A. VCF-style: chr11-2776041-G-A. GRCh37 (hg19) VCF-style: chr11-2797271-G-A.
Other names: c.1576G>A, p.Glu526Lys (NM_001406836.1); c.1402G>A, p.Glu468Lys (NM_001406837.1); c.1132G>A, p.Glu378Lys (NM_001406838.1); c.1291G>A, p.Glu431Lys (NM_181798.2); short protein forms E378K, E526K, E431K, E468K, E558K.
Identifiers: ClinVar variation 2051718 (VCV002051718.4), dbSNP rs2494139099, ClinGen allele CA379139223.
Genomic context (GRCh38, chr11:2,776,041, plus strand): 5'-GTGCGGGACGTCATTGAGCAGTACTCGCAGGGCCACCTCAACCTCATGGTGCGCATCAAG[G>A]AGCTGCAGAGGAGGTGGGCACGGCCAAACGGCAGCGGGGAGGGTGCCCAGGTCCTGCCCA-3'
Protein context (NP_000209.2, residues 548-568): GHLNLMVRIK[Glu558Lys]LQRRLDQSIG